The following is an entry in ClinVar:

NM_001465.6(FYB1):c.410C>T (p.Pro137Leu)

Gene: FYB1 (FYN binding protein 1; minus strand). Cytogenetic location: 5p13.1.
Variant type: single nucleotide variant.
Coding change: c.410C>T on transcript NM_001465.6 (MANE Select); coding-DNA position 410, C replaced by T.
Protein change: p.Pro137Leu; replaces proline 137 with leucine.
Molecular consequence: missense variant.
Genome position (GRCh38, 1-based): chr5:39,202,551, G>A on the plus strand (C>T on the coding strand, the complement: FYB1 is on the minus strand). VCF-style: chr5-39202551-G-A. GRCh37 (hg19) VCF-style: chr5-39202653-G-A.
Other names: c.440C>T, p.Pro147Leu (NM_001243093.2, NM_018594.2); c.410C>T, p.Pro137Leu (NM_001349333.2, NM_199335.5); short protein forms P137L, P147L.
Identifiers: ClinVar variation 3037434 (VCV003037434.2), dbSNP rs201568060, ClinGen allele CA3246494.

ClinVar aggregate classification (germline): Likely benign (0 of 4 stars; one submission).

Conditions:
FYB1-related disorder. Also called: FYB1-related condition.

Allele frequency attached by ClinVar (database versions not stated): 1000 Genomes Project 30x 0.00016; 1000 Genomes Project 0.00020; TOPMed 0.00075; ExAC 0.00081; ESP Exome Variant Server 0.00083; gnomAD 0.00101; gnomAD exomes 0.00128.
gnomAD v4.1: 2,035 of 1,613,960 alleles (0.13%); highest among the groups gnomAD compares: Non-Finnish European, 0.14%; 3 homozygotes.

Submission:

PreventionGenetics, part of Exact Sciences
Classification: Likely benign for FYB1-related condition. Last evaluated: 2023-08-16. Review status: no assertion criteria provided. Collection method: clinical testing. Allele origin: germline.
Comment: This variant is classified as likely benign based on ACMG/AMP sequence variant interpretation guidelines (Richards et al. 2015 PMID: 25741868, with internal and published modifications).